The following is an entry in ClinVar:

NM_004415.4(DSP):c.8605A>C (p.Ile2869Leu)

Gene: DSP (desmoplakin; plus strand). Cytogenetic location: 6p24.3.
Variant type: single nucleotide variant.
Coding change: c.8605A>C on transcript NM_004415.4 (MANE Select); coding-DNA position 8605, A replaced by C.
Protein change: p.Ile2869Leu; replaces isoleucine 2869 with leucine.
Molecular consequence: missense variant.
Genome position (GRCh38, 1-based): chr6:7,585,867, A>C. VCF-style: chr6-7585867-A-C. GRCh37 (hg19) VCF-style: chr6-7586100-A-C.
Other names: c.6808A>C, p.Ile2270Leu (NM_001008844.3); c.7276A>C, p.Ile2426Leu (NM_001319034.2); short protein forms I2270L, I2426L, I2869L.
Identifiers: ClinVar variation 5009842 (VCV005009842.1).
Genomic context (GRCh38, chr6:7,585,867, plus strand): 5'-AGCTTTGACGCCACAGGGAATTCTTCCTACTCTTATTCCTACTCATTTAGCAGTAGTTCT[A>C]TTGGGCACTAGTAGTCAGTTGGGAGTGGTTGCTATACCTTGACTTCATTTATATGAATTT-3'
Protein context (NP_004406.2, residues 2859-2871): SYSYSFSSSS[Ile2869Leu]GH

ClinVar aggregate classification (germline): Uncertain significance (1 of 4 stars; one submission).

gnomAD v4.1: 11 of 1,613,942 alleles (0.00068%); highest among the groups gnomAD compares: Non-Finnish European, 0.00093%; no homozygotes.

Submission:

GeneDx
Classification: Uncertain significance. Last evaluated: 2026-03-05. Review status: criteria provided, single submitter. Criteria: GeneDx Variant Classification Process June 2021. Collection method: clinical testing. Allele origin: germline.
Comment: Not observed at significant frequency in large population cohorts (gnomAD); In silico analysis suggests that this missense variant does not alter protein structure/function; Has not been previously published as pathogenic or benign to our knowledge